The following is an entry in ClinVar:

NM_144997.7(FLCN):c.1287dup (p.Val430fs)

Gene: FLCN (folliculin; minus strand). Cytogenetic location: 17p11.2.
Variant type: Duplication.
Coding change: c.1287dup on transcript NM_144997.7 (MANE Select); coding-DNA position 1287, one base duplicated (C; older notation c.1287dupC).
Protein change: p.Val430fs; shifts the reading frame from valine 430.
Molecular consequence: frameshift variant.
Genome position (GRCh38, 1-based): chr17:17,216,393, G duplicated on the plus strand (C on the coding strand, the reverse complement: FLCN is on the minus strand). VCF-style (leftmost placement, unchanged base first): chr17-17216392-C-CG. GRCh37 (hg19) VCF-style: chr17-17119706-C-CG.
Other names: c.1341dup, p.Val448fs (NM_001353229.2); c.1287dup, p.Val430fs (NM_001353230.2, NM_001353231.2); c.1287dupC (NM_144997.5); short protein forms V430fs, V448fs.
Identifiers: ClinVar variation 3042084 (VCV003042084.2), dbSNP rs2544161258, ClinGen allele CA2740095283.

ClinVar aggregate classification (germline): Likely pathogenic (0 of 4 stars; one submission).

Conditions:
FLCN-related disorder. Also called: FLCN-related condition.

Submission:

PreventionGenetics, part of Exact Sciences
Classification: Likely pathogenic for FLCN-related condition. Last evaluated: 2024-02-20. Review status: no assertion criteria provided. Collection method: clinical testing. Allele origin: germline.
Comment: The FLCN c.1287dupC variant is predicted to result in a frameshift and premature protein termination (p.Val430Argfs*26). To our knowledge, this variant has not been reported in the literature or in a large population database, indicating this variant is rare. This variant is not reported in the ClinVar database. Frameshift variants in FLCN are expected to be pathogenic. This variant is interpreted as likely pathogenic.